The following is an entry in ClinVar:

ClinVar aggregate classification (germline): Benign/Likely benign. Review status: criteria provided, multiple submitters, no conflicts (2 of 4 stars). 2 submissions from 2 submitters: Benign (1); Likely benign (1). Last evaluated 2024-04-29.

Conditions:
Familial cancer of breast. Also called: Hereditary breast cancer; BREAST CANCER, FAMILIAL; hereditary breast carcinoma. Identifiers: Orphanet 227535, MedGen C0346153, MONDO:0016419, OMIM 114480. Disease mechanism: loss of function.
Ataxia-telangiectasia syndrome (AT). Also called: ATAXIA-TELANGIECTASIA, COMPLEMENTATION GROUP A; Ataxia telangiectasia (A-T); Ataxia-telangiectasia, complementation group E; Ataxia-telangiectasia; Cerebello-oculocutaneous telangiectasia; Immunodeficiency with ataxia telangiectasia. Identifiers: Orphanet 100, MedGen C0004135, MONDO:0008840, OMIM 208900.

Submissions (2):

Myriad Genetics, Inc.
Classification: Benign for Familial cancer of breast. Last evaluated: 2024-04-29. Review status: criteria provided, single submitter. Criteria: Myriad Autosomal Dominant, Autosomal Recessive and X-Linked Classification Criteria (2023). Collection method: clinical testing. Allele origin: unknown.
Comment: This variant is considered benign. This variant is a silent/synonymous amino acid change and it is not expected to impact splicing.

Labcorp Genetics (formerly Invitae), Labcorp
Classification: Likely benign for Ataxia-telangiectasia syndrome. Last evaluated: 2021-08-11. Review status: criteria provided, single submitter. Criteria: Invitae Variant Classification Sherloc (09022015). Collection method: clinical testing. Allele origin: germline.

NM_000051.4(ATM):c.1449C>G (p.Leu483=)

Gene: ATM (ATM serine/threonine kinase; plus strand). Cytogenetic location: 11q22.3.
Variant type: single nucleotide variant.
Coding change: c.1449C>G on transcript NM_000051.4 (MANE Select); coding-DNA position 1449, C replaced by G.
Protein change: p.Leu483=; no amino-acid change (leucine 483 retained).
Molecular consequence: synonymous variant.
Genome position (GRCh38, 1-based): chr11:108,250,914, C>G. VCF-style: chr11-108250914-C-G. GRCh37 (hg19) VCF-style: chr11-108121641-C-G.
Other names: c.1449C>G, p.Leu483= (NM_001351834.2).
Identifiers: ClinVar variation 1577343 (VCV001577343.9), dbSNP rs948934905, ClinGen allele CA476744840.
Genomic context (GRCh38, chr11:108,250,914, plus strand): 5'-ATTGTGTCAAGACAAGAGGTCAAACCTAGAAAGCTCACAAAAGTCAGATTTATTAAAACT[C>G]TGGAATAAAATTTGGTGTATTACCTTTCGTGGTATAAGTTCTGAGCAAATACAAGCTGAA-3'
Protein context (NP_000042.3, residues 473-493): ESSQKSDLLK[Leu483=]WNKIWCITFR